The following is an entry in ClinVar:

NM_178857.6(RP1L1):c.387G>C (p.Leu129Phe)

Gene: RP1L1 (RP1 like 1). Cytogenetic location: 8p23.1.
Variant type: single nucleotide variant.
Coding change: c.387G>C on transcript NM_178857.6 (MANE Select); coding-DNA position 387, G replaced by C.
Protein change: p.Leu129Phe; replaces leucine 129 with phenylalanine.
Molecular consequence: missense variant.
Genome position (GRCh38, 1-based): chr8:10,622,815, C>G on the plus strand (G>C on the coding strand, the complement: RP1L1 is on the minus strand). VCF-style: chr8-10622815-C-G. GRCh37 (hg19) VCF-style: chr8-10480325-C-G.
Other names: c.387G>C (NM_178857.5); short protein forms L129F.
Identifiers: ClinVar variation 1358382 (VCV001358382.10), dbSNP rs572144035, ClinGen allele CA4625730.
Genomic context (GRCh38, chr8:10,622,815, plus strand): 5'-TTTAAGACTCTTCCGGGAGGAGGAGGTGCCTGGGGCTTCACGCTGGCCTTCGACATCCCG[C>G]AACTGCTGAGCAGTGGGGTTTCTCTCCTGTGGCCGGCCTGGTCCACTGGGGGTCTTGGGG-3'
Protein context (NP_849188.4, residues 119-139): PQERNPTAQQ[Leu129Phe]RDVEGQREAP

ClinVar aggregate classification (germline): Uncertain significance. Review status: criteria provided, multiple submitters, no conflicts (2 of 4 stars). 3 submissions from 3 submitters: Uncertain significance (3). Last evaluated 2025-05-16.

Conditions:
Inborn genetic diseases. Identifiers: MedGen C0950123, MeSH D030342.

Allele frequency attached by ClinVar (database versions not stated): gnomAD 0.00002; gnomAD exomes 0.00002 and 0.00004; TOPMed 0.00003.
gnomAD v4.1: 13 of 1,613,696 alleles (0.00081%); highest among the groups gnomAD compares: Admixed American, 0.022%; no homozygotes.

Submissions (3):

Ambry Genetics
Classification: Uncertain significance for Inborn genetic diseases. Last evaluated: 2025-05-16. Review status: criteria provided, single submitter. Criteria: Ambry Variant Classification Scheme 2023. Collection method: clinical testing. Allele origin: germline.

Labcorp Genetics (formerly Invitae), Labcorp
Classification: Uncertain significance. Last evaluated: 2023-07-06. Review status: criteria provided, single submitter. Criteria: Invitae Variant Classification Sherloc (09022015). Collection method: clinical testing. Allele origin: germline.
Comment: This sequence change replaces leucine, which is neutral and non-polar, with phenylalanine, which is neutral and non-polar, at codon 129 of the RP1L1 protein (p.Leu129Phe). This variant is present in population databases (rs572144035, gnomAD 0.04%). This variant has not been reported in the literature in individuals affected with RP1L1-related conditions. ClinVar contains an entry for this variant (Variation ID: 1358382). Advanced modeling of protein sequence and biophysical properties (such as structural, functional, and spatial information, amino acid conservation, physicochemical variation, residue mobility, and thermodynamic stability) performed at Invitae indicates that this missense variant is not expected to disrupt RP1L1 protein function. In summary, the available evidence is currently insufficient to determine the role of this variant in disease. Therefore, it has been classified as a Variant of Uncertain Significance.

Blueprint Genetics
Classification: Uncertain significance. Last evaluated: 2018-05-12. Review status: criteria provided, single submitter. Criteria: ACMG Guidelines, 2015. Collection method: clinical testing. Allele origin: germline.